The following is an entry in ClinVar:

NM_004974.4(KCNA2):c.1375A>T (p.Met459Leu)

Gene: KCNA2 (potassium voltage-gated channel subfamily A member 2; minus strand). Cytogenetic location: 1p13.3.
Variant type: single nucleotide variant.
Coding change: c.1375A>T on transcript NM_004974.4 (MANE Select); coding-DNA position 1375, A replaced by T.
Protein change: p.Met459Leu; replaces methionine 459 with leucine.
Molecular consequence: missense variant. On other transcripts: intron variant (1).
Genome position (GRCh38, 1-based): chr1:110,603,408, T>A on the plus strand (A>T on the coding strand, the complement: KCNA2 is on the minus strand). VCF-style: chr1-110603408-T-A. GRCh37 (hg19) VCF-style: chr1-111146030-T-A.
Other names: c.894+481A>T (NM_001204269.2); short protein forms M459L.
Identifiers: ClinVar variation 3371235 (VCV003371235.1).

ClinVar aggregate classification (germline): Uncertain significance (1 of 4 stars; one submission).

Submission:

GeneDx
Classification: Uncertain significance. Last evaluated: 2024-03-22. Review status: criteria provided, single submitter. Criteria: GeneDx Variant Classification Process June 2021. Collection method: clinical testing. Allele origin: germline. Affected: yes.
Comment: Not observed at significant frequency in large population cohorts (gnomAD); In silico analysis supports that this missense variant does not alter protein structure/function; Has not been previously published as pathogenic or benign to our knowledge